The following is an entry in ClinVar:

ClinVar aggregate classification (germline): Uncertain significance. Review status: criteria provided, multiple submitters, no conflicts (2 of 4 stars). 2 submissions from 2 submitters: Uncertain significance (2). Last evaluated 2020-04-20.

Conditions:
Cardiovascular phenotype. Identifiers: MedGen CN230736.

Allele frequency attached by ClinVar (database versions not stated): gnomAD exomes below 0.00001; ExAC 0.00001.
gnomAD v4.1: 1 of 1,614,160 alleles (0.000062%); highest among the groups gnomAD compares: Admixed American, 0.0017%; no homozygotes.

Submissions (2):

Ambry Genetics
Classification: Uncertain significance for Cardiovascular phenotype. Last evaluated: 2020-04-20. Review status: criteria provided, single submitter. Criteria: Ambry Variant Classification Scheme 2023. Collection method: clinical testing. Allele origin: germline.
Comment: The p.A753T variant (also known as c.2257G>A), located in coding exon 33 of the COL1A1 gene, results from a G to A substitution at nucleotide position 2257. The alanine at codon 753 is replaced by threonine, an amino acid with similar properties. This amino acid position is not well conserved in available vertebrate species. In addition, the in silico prediction for this alteration is inconclusive. Since supporting evidence is limited at this time, the clinical significance of this alteration remains unclear.

GeneDx
Classification: Uncertain significance. Last evaluated: 2019-07-29. Review status: criteria provided, single submitter. Criteria: GeneDx Variant Classification Process June 2021. Collection method: clinical testing. Allele origin: germline. Affected: yes.
Comment: Has not been previously published as pathogenic or benign to our knowledge; Not observed at a significant frequency in large population cohorts (Lek et al., 2016); In silico analysis, which includes protein predictors and evolutionary conservation, supports that this variant does not alter protein structure/function; Occurs in the triple helical domain at the X position in the canonical Gly-X-Y repeat; although this variant may have an effect on normal protein folding and function, missense substitution at the X position is not a common mechanism of disease (Stenson et al., 2014)

NM_000088.4(COL1A1):c.2257G>A (p.Ala753Thr)

Gene: COL1A1 (collagen type I alpha 1 chain; minus strand). Cytogenetic location: 17q21.33.
Variant type: single nucleotide variant.
Coding change: c.2257G>A on transcript NM_000088.4 (MANE Select); coding-DNA position 2257, G replaced by A.
Protein change: p.Ala753Thr; replaces alanine 753 with threonine.
Molecular consequence: missense variant.
Genome position (GRCh38, 1-based): chr17:50,190,903, C>T on the plus strand (G>A on the coding strand, the complement: COL1A1 is on the minus strand). VCF-style: chr17-50190903-C-T. GRCh37 (hg19) VCF-style: chr17-48268264-C-T.
Other names: short protein forms A753T.
Identifiers: ClinVar variation 1307448 (VCV001307448.4), dbSNP rs764478745, ClinGen allele CA8644883.